The following is an entry in ClinVar:

ClinVar aggregate classification (germline): Uncertain significance (1 of 4 stars; one submission).

Conditions:
Multiple gastrointestinal atresias. Also called: FAMILIAL INTESTINAL POLYATRESIA SYNDROME; Multiple intestinal atresia. Identifiers: Orphanet 2300, MedGen C0220744, MONDO:0009465.

gnomAD v4.1: 5 of 1,614,134 alleles (0.00031%); highest among the groups gnomAD compares: South Asian, 0.0055%; no homozygotes.

Submission:

Labcorp Genetics (formerly Invitae), Labcorp
Classification: Uncertain significance for Multiple gastrointestinal atresias. Last evaluated: 2026-02-01. Review status: criteria provided, single submitter. Criteria: Invitae Variant Classification Sherloc (09022015). Collection method: clinical testing. Allele origin: germline.
Comment: This sequence change replaces arginine, which is basic and polar, with glycine, which is neutral and non-polar, at codon 358 of the TTC7A protein (p.Arg358Gly). This variant is not present in population databases (gnomAD no frequency). This variant has not been reported in the literature in individuals affected with TTC7A-related conditions. Invitae Evidence Modeling of protein sequence and biophysical properties (such as structural, functional, and spatial information, amino acid conservation, physicochemical variation, residue mobility, and thermodynamic stability) indicates that this missense variant is not expected to disrupt TTC7A protein function with a negative predictive value of 80%. In summary, the available evidence is currently insufficient to determine the role of this variant in disease. Therefore, it has been classified as a Variant of Uncertain Significance.

NM_020458.4(TTC7A):c.1072C>G (p.Arg358Gly)

Gene: TTC7A (tetratricopeptide repeat domain 7A; plus strand). Cytogenetic location: 2p21.
Variant type: single nucleotide variant.
Coding change: c.1072C>G on transcript NM_020458.4 (MANE Select); coding-DNA position 1072, C replaced by G.
Protein change: p.Arg358Gly; replaces arginine 358 with glycine.
Molecular consequence: missense variant.
Genome position (GRCh38, 1-based): chr2:47,005,928, C>G. VCF-style: chr2-47005928-C-G. GRCh37 (hg19) VCF-style: chr2-47233067-C-G.
Other names: c.1072C>G, p.Arg358Gly (NM_001288951.2); c.970C>G, p.Arg324Gly (NM_001288953.2); c.10C>G, p.Arg4Gly (NM_001288955.2); short protein forms R324G, R358G, R4G.
Identifiers: ClinVar variation 4809598 (VCV004809598.1).
Genomic context (GRCh38, chr2:47,005,928, plus strand): 5'-GACACCTGCTTATCTACTCTCCTCACTCTTTCCCAAACAATGTCCCACCCACAGGCAACT[C>G]GAGATGTGGTGCTGAGCCGGGTGCCGGAGCAGGAGGAGGACCGGACAGTGAGCTTGCAGA-3'
Protein context (NP_065191.2, residues 348-368): LLLISESMAT[Arg358Gly]DVVLSRVPEQ